The following is an entry in ClinVar:

NM_002709.3(PPP1CB):c.562A>G (p.Ile188Val)

Gene: PPP1CB (protein phosphatase 1 catalytic subunit beta; plus strand). Cytogenetic location: 2p23.2.
Variant type: single nucleotide variant.
Coding change: c.562A>G on transcript NM_002709.3 (MANE Select); coding-DNA position 562, A replaced by G.
Protein change: p.Ile188Val; replaces isoleucine 188 with valine.
Molecular consequence: missense variant.
Genome position (GRCh38, 1-based): chr2:28,783,948, A>G. VCF-style: chr2-28783948-A-G. GRCh37 (hg19) VCF-style: chr2-29006814-A-G.
Other names: c.562A>G, p.Ile188Val (NM_206876.2); short protein forms I188V.
Identifiers: ClinVar variation 1715452 (VCV001715452.5), dbSNP rs2465736034, ClinGen allele CA346582462.

ClinVar aggregate classification (germline): Uncertain significance (1 of 4 stars; one submission).

Allele frequency attached by ClinVar (database versions not stated): gnomAD exomes below 0.00001.
gnomAD v4.1: 6 of 1,612,670 alleles (0.00037%); highest among the groups gnomAD compares: Non-Finnish European, 0.00042%; no homozygotes.

Submission:

Labcorp Genetics (formerly Invitae), Labcorp
Classification: Uncertain significance. Last evaluated: 2022-08-07. Review status: criteria provided, single submitter. Criteria: Invitae Variant Classification Sherloc (09022015). Collection method: clinical testing. Allele origin: germline.
Comment: This sequence change replaces isoleucine, which is neutral and non-polar, with valine, which is neutral and non-polar, at codon 188 of the PPP1CB protein (p.Ile188Val). This variant is not present in population databases (gnomAD no frequency). This variant has not been reported in the literature in individuals affected with PPP1CB-related conditions. Algorithms developed to predict the effect of missense changes on protein structure and function (SIFT, PolyPhen-2, Align-GVGD) all suggest that this variant is likely to be tolerated. In summary, the available evidence is currently insufficient to determine the role of this variant in disease. Therefore, it has been classified as a Variant of Uncertain Significance.